The following is an entry in ClinVar:

ClinVar aggregate classification (germline): Uncertain significance. Review status: criteria provided, multiple submitters, no conflicts (2 of 4 stars). 3 submissions from 3 submitters: Uncertain significance (3). Last evaluated 2025-09-17.

Conditions:
Autosomal recessive limb-girdle muscular dystrophy type 2J (LGMDR10). Also called: Limb-girdle muscular dystrophy, type 2J; MUSCULAR DYSTROPHY, LIMB-GIRDLE, AUTOSOMAL RECESSIVE 10. Identifiers: Orphanet 140922, MedGen C1837342, MONDO:0012127, OMIM 608807.
Dilated cardiomyopathy 1G (CMD1G). Identifiers: Orphanet 154, MedGen C1858763, MONDO:0011400, OMIM 604145.
TTN-related disorder. Also called: TTN-related condition; TTN-related disease; TTN-related disorders.

Allele frequency attached by ClinVar (database versions not stated): gnomAD exomes below 0.00001 and 0.00001; ExAC 0.00002; gnomAD 0.00003 and 0.00004; TOPMed 0.00003.
gnomAD v4.1: 9 of 1,613,754 alleles (0.00056%); highest among the groups gnomAD compares: African/African-American, 0.011%; no homozygotes.

Submissions (3):

PreventionGenetics, part of Exact Sciences
Classification: Uncertain significance for TTN-related condition. Last evaluated: 2025-09-17. Review status: criteria provided, single submitter. Criteria: ACMG Guidelines, 2015. Collection method: clinical testing. Allele origin: germline.
Comment: The TTN c.27988A>G variant is predicted to result in the amino acid substitution p.Ile9330Val. To our knowledge, this variant has not been reported in the literature. This variant is reported in 0.012% of alleles in individuals of African descent in gnomAD. At this time, the clinical significance of this variant is uncertain due to the absence of conclusive functional and genetic evidence.

GeneDx
Classification: Uncertain significance. Last evaluated: 2024-12-26. Review status: criteria provided, single submitter. Criteria: GeneDx Variant Classification Process June 2021. Collection method: clinical testing. Allele origin: germline. Affected: yes.
Comment: Not observed at significant frequency in large population cohorts (gnomAD); Missense variant in a gene in which most reported pathogenic variants are truncating/loss of function; Has not been previously published as pathogenic or benign to our knowledge

Labcorp Genetics (formerly Invitae), Labcorp
Classification: Uncertain significance for Dilated cardiomyopathy 1G; Autosomal recessive limb-girdle muscular dystrophy type 2J. Last evaluated: 2017-04-03. Review status: criteria provided, single submitter. Criteria: Invitae Variant Classification Sherloc (09022015). Collection method: clinical testing. Allele origin: germline.

NM_001267550.2(TTN):c.27988A>G (p.Ile9330Val)

Gene: TTN (titin; minus strand). Cytogenetic location: 2q31.2.
Variant type: single nucleotide variant.
Coding change: c.27988A>G on transcript NM_001267550.2 (MANE Select); coding-DNA position 27988, A replaced by G.
Protein change: p.Ile9330Val; replaces isoleucine 9330 with valine.
Molecular consequence: missense variant. On other transcripts: intron variant (3).
Genome position (GRCh38, 1-based): chr2:178,711,248, T>C on the plus strand (A>G on the coding strand, the complement: TTN is on the minus strand). VCF-style: chr2-178711248-T-C. GRCh37 (hg19) VCF-style: chr2-179575975-T-C.
Other names: c.27988A>G (NM_001267550.1); c.27037A>G, p.Ile9013Val (NM_001256850.1); c.24256A>G, p.Ile8086Val (NM_133378.4); c.13282+26834A>G (NM_003319.4); c.13858+26834A>G (NM_133437.4); c.13657+26834A>G (NM_133432.3); short protein forms I9330V, I8086V, I9013V.
Identifiers: ClinVar variation 466970 (VCV000466970.5), dbSNP rs768696299, ClinGen allele CA1999681.